The following is an entry in ClinVar:

NM_003793.4(CTSF):c.531+3G>C

Gene: CTSF (cathepsin F; minus strand). Cytogenetic location: 11q13.2.
Variant type: single nucleotide variant.
Coding change: c.531+3G>C on transcript NM_003793.4 (MANE Select); 3 bases into the intron after coding-DNA position 531, G replaced by C.
Molecular consequence: intron variant.
Genome position (GRCh38, 1-based): chr11:66,567,441, C>G on the plus strand (G>C on the coding strand, the complement: CTSF is on the minus strand). VCF-style: chr11-66567441-C-G. GRCh37 (hg19) VCF-style: chr11-66334912-C-G.
Identifiers: ClinVar variation 558827 (VCV000558827.6), dbSNP rs150926626, ClinGen allele CA224082573.
Genomic context (GRCh38, chr11:66,567,441, plus strand): 5'-AAGGGTGATGAGGCAGCGGCTGGCTCCTCAAGCTGAGGGCTCCTCAAGCTGAGGGCTCCT[C>G]ACCTGGGACAGGGGATCCTCATTCAACAGGGAAATGACTGAGCTGAAAGTCTCGTTTCTG-3'

ClinVar aggregate classification (germline): Uncertain significance. Review status: criteria provided, single submitter (1 of 4 stars). 2 submissions from 2 submitters: Uncertain significance (1). 1 of the submissions does not count toward it. Last evaluated 2025-12-11.

Allele frequency attached by ClinVar (database versions not stated): gnomAD 0.00001; TOPMed 0.00001; 1000 Genomes Project 30x 0.00016.
gnomAD v4.1: 6 of 1,613,896 alleles (0.00037%); highest among the groups gnomAD compares: African/African-American, 0.008%; no homozygotes.

Submissions (2):

Women's Health and Genetics/Laboratory Corporation of America, LabCorp
Classification: Uncertain significance. Last evaluated: 2025-12-11. Review status: criteria provided, single submitter. Criteria: LabCorp Variant Classification Summary - May 2015. Collection method: clinical testing. Allele origin: germline.
Comment: Variant summary: CTSF c.531+3G>C alters a conserved nucleotide located close to a canonical splice site and therefore could affect mRNA splicing, leading to a significantly altered protein sequence. Several computational tools predict a significant impact on normal splicing: Three predict the variant weakens the canonical 5' donor site. One predicts the variant has no significant impact on splicing. However, these predictions have yet to be confirmed by functional studies. The variant allele was found at a frequency of 3.7e-06 in 1613896 control chromosomes. The available data on variant occurrences in the general population are insufficient to allow any conclusion about variant significance. To our knowledge, no occurrence of c.531+3G>C in individuals affected with CTSF-related conditions and no experimental evidence demonstrating its impact on protein function have been reported. ClinVar contains an entry for this variant (Variation ID: 558827). Based on the evidence outlined above, the variant was classified as uncertain significance.

Mayo Clinic Laboratories, Mayo Clinic
Classification: Uncertain significance. Last evaluated: 2017-11-03. Review status: no assertion criteria provided. Collection method: clinical testing. Allele origin: unknown. Not counted in ClinVar's aggregate classification.